The following is an entry in ClinVar:

NM_000218.3(KCNQ1):c.1514+29959C>G

Genes: KCNQ1 (potassium voltage-gated channel subfamily Q member 1; plus strand), KCNQ1OT1 (KCNQ1 opposite strand/antisense transcript 1; minus strand). Cytogenetic location: 11p15.5.
Variant type: single nucleotide variant.
Coding change: c.1514+29959C>G on transcript NM_000218.3 (MANE Select); 29959 bases into the intron after coding-DNA position 1514, C replaced by G.
Molecular consequence: intron variant.
Genome position (GRCh38, 1-based): chr11:2,692,040, C>G. VCF-style: chr11-2692040-C-G. GRCh37 (hg19) VCF-style: chr11-2713270-C-G.
Other names: c.1244+29959C>G (NM_001406837.1); c.1418+29959C>G (NM_001406836.1); c.974+29959C>G (NM_001406838.1); c.1133+29959C>G (NM_181798.2).
Identifiers: ClinVar variation 2578649 (VCV002578649.25), dbSNP rs142682877, ClinGen allele CA216193264.

ClinVar aggregate classification (germline): Likely benign (1 of 4 stars; one submission).

Allele frequency attached by ClinVar (database versions not stated): 1000 Genomes Project 30x 0.00016; 1000 Genomes Project 0.00020; TOPMed 0.00049; gnomAD 0.00054.
gnomAD v4.1: 265 of 398,770 alleles (0.066%); highest among the groups gnomAD compares: Non-Finnish European, 0.097%; no homozygotes.

Submission:

CeGaT Center for Human Genetics Tuebingen
Classification: Likely benign. Last evaluated: 2026-09-01. Review status: criteria provided, single submitter. Criteria: CeGaT Center For Human Genetics Tuebingen Variant Classification Criteria Version 2. Collection method: clinical testing. Allele origin: germline. Affected: yes. Observed: 6 variant alleles.
Comment: KCNQ1OT1: BS1